The following is an entry in ClinVar:

NM_001572.5(IRF7):c.839C>A (p.Ala280Glu)

Gene: IRF7 (interferon regulatory factor 7; minus strand). Cytogenetic location: 11p15.5.
Variant type: single nucleotide variant.
Coding change: c.839C>A on transcript NM_001572.5 (MANE Select); coding-DNA position 839, C replaced by A.
Protein change: p.Ala280Glu; replaces alanine 280 with glutamic acid.
Molecular consequence: missense variant.
Genome position (GRCh38, 1-based): chr11:613,793, G>T on the plus strand (C>A on the coding strand, the complement: IRF7 is on the minus strand). VCF-style: chr11-613793-G-T. GRCh37 (hg19) VCF-style: chr11-613793-G-T.
Other names: c.878C>A (NM_004031.2); c.752C>A, p.Ala251Glu (NM_004029.4); c.878C>A, p.Ala293Glu (NM_004031.4); short protein forms A280E, A251E, A293E.
Identifiers: ClinVar variation 3716622 (VCV003716622.3).
Genomic context (GRCh38, chr11:613,793, plus strand): 5'-TGAGTGACGGGGGTGGGCGGGGACAGGCTGCCCCTTCCTGGGATGCACTCACCTTGCACC[G>T]CGGTGCAGGCGCTTGGGGAGGGTGACAGGTACGGCTCTGCCTGGTGCGGGGACTCTGGGG-3'
Protein context (NP_001563.2, residues 270-290): YLSPSPSACT[Ala280Glu]VQEPSPGALD

ClinVar aggregate classification (germline): Uncertain significance. Review status: criteria provided, multiple submitters, no conflicts (2 of 4 stars). 2 submissions from 2 submitters: Uncertain significance (2). Last evaluated 2025-10-09.

Conditions:
Immunodeficiency 39 (IMD39). Identifiers: Orphanet 574918, MedGen C4225358, MONDO:0014597, OMIM 616345.

gnomAD v4.1: 2 of 1,563,534 alleles (0.00013%); highest among the groups gnomAD compares: Non-Finnish European, 0.00017%; no homozygotes.

Submissions (2):

Labcorp Genetics (formerly Invitae), Labcorp
Classification: Uncertain significance for Immunodeficiency 39. Last evaluated: 2025-10-09. Review status: criteria provided, single submitter. Criteria: Invitae Variant Classification Sherloc (09022015). Collection method: clinical testing. Allele origin: germline.
Comment: This sequence change replaces alanine, which is neutral and non-polar, with glutamic acid, which is acidic and polar, at codon 293 of the IRF7 protein (p.Ala293Glu). This variant is not present in population databases (gnomAD no frequency). This variant has not been reported in the literature in individuals affected with IRF7-related conditions. ClinVar contains an entry for this variant (Variation ID: 3716622). Invitae Evidence Modeling of protein sequence and biophysical properties (such as structural, functional, and spatial information, amino acid conservation, physicochemical variation, residue mobility, and thermodynamic stability) indicates that this missense variant is not expected to disrupt IRF7 protein function with a negative predictive value of 80%. In summary, the available evidence is currently insufficient to determine the role of this variant in disease. Therefore, it has been classified as a Variant of Uncertain Significance.

Ambry Genetics
Classification: Uncertain significance. Last evaluated: 2025-08-13. Review status: criteria provided, single submitter. Criteria: Ambry Variant Classification Scheme 2023. Collection method: clinical testing. Allele origin: germline.